The following is an entry in ClinVar:

NM_000815.5(GABRD):c.847+4C>T

Gene: GABRD (gamma-aminobutyric acid type A receptor subunit delta; plus strand). Cytogenetic location: 1p36.33.
Variant type: single nucleotide variant.
Coding change: c.847+4C>T on transcript NM_000815.5 (MANE Select); 4 bases into the intron after coding-DNA position 847, C replaced by T.
Molecular consequence: intron variant.
Genome position (GRCh38, 1-based): chr1:2,029,270, C>T. VCF-style: chr1-2029270-C-T. GRCh37 (hg19) VCF-style: chr1-1960709-C-T.
Identifiers: ClinVar variation 2155045 (VCV002155045.4), dbSNP rs370295640, ClinGen allele CA534800.
Genomic context (GRCh38, chr1:2,029,270, plus strand): 5'-TGTCCTGGGTCTCCTTCTGGATCAGCCAGGCGGCGGTGCCCGCCAGGGTGTCTCTAGGTA[C>T]GGGGCCTCGCCGCTGCTCCGAGGGAGCTGGAAGGGCGGCCCTGGGGAACAGGACTCCCCA-3'

ClinVar aggregate classification (germline): Uncertain significance (1 of 4 stars; one submission).

Conditions:
Idiopathic generalized epilepsy. Also called: Generalised epilepsy; EIG. Identifiers: MedGen C0270850, MONDO:0005579, OMIM 600669.

Allele frequency attached by ClinVar (database versions not stated): TOPMed 0.00004; gnomAD 0.00007; ESP Exome Variant Server 0.00008; 1000 Genomes Project 30x 0.00031; ExAC 0.00031; 1000 Genomes Project 0.00040.
gnomAD v4.1: 126 of 1,553,862 alleles (0.0081%); highest among the groups gnomAD compares: Middle Eastern, 0.084%; no homozygotes.

Submission:

Labcorp Genetics (formerly Invitae), Labcorp
Classification: Uncertain significance for Idiopathic generalized epilepsy. Last evaluated: 2026-01-28. Review status: criteria provided, single submitter. Criteria: Invitae Variant Classification Sherloc (09022015). Collection method: clinical testing. Allele origin: germline.
Comment: This sequence change falls in intron 7 of the GABRD gene. It does not directly change the encoded amino acid sequence of the GABRD protein. It affects a nucleotide within the consensus splice site. This variant is present in population databases (rs370295640, gnomAD 0.06%), and has an allele count higher than expected for a pathogenic variant. This variant has not been reported in the literature in individuals affected with GABRD-related conditions. ClinVar contains an entry for this variant (Variation ID: 2155045). Variants that disrupt the consensus splice site are a relatively common cause of aberrant splicing (PMID: 17576681, 9536098). Algorithms developed to predict the effect of sequence changes on RNA splicing suggest that this variant is not likely to affect RNA splicing. In summary, the available evidence is currently insufficient to determine the role of this variant in disease. Therefore, it has been classified as a Variant of Uncertain Significance.

Literature cited by the submitters: PubMed 17576681; PubMed 9536098.